The following is an entry in ClinVar:

NM_018368.4(LMBRD1):c.1094_1095del (p.Leu365fs)

Gene: LMBRD1 (LMBR1 domain containing 1; minus strand). Cytogenetic location: 6q13.
Variant type: Deletion.
Coding change: c.1094_1095del on transcript NM_018368.4 (MANE Select); coding-DNA positions 1094 to 1095, 2 bases deleted (TT; older notation c.1094_1095delTT).
Protein change: p.Leu365fs; shifts the reading frame from leucine 365.
Molecular consequence: frameshift variant.
Genome position (GRCh38, 1-based): chr6:69,700,858-69,700,859, AA deleted on the plus strand (TT on the coding strand, the reverse complement: LMBRD1 is on the minus strand). VCF-style (leftmost placement, unchanged base first): chr6-69700857-CAA-C. GRCh37 (hg19) VCF-style: chr6-70410749-CAA-C.
Other names: c.875_876del, p.Leu292fs (NM_001363722.2, NM_001367271.1, NM_001367272.1); short protein forms L292fs, L365fs.
Identifiers: ClinVar variation 1687319 (VCV001687319.1), dbSNP rs2149844541, ClinGen allele CA2573141052.

ClinVar aggregate classification (germline): Pathogenic (1 of 4 stars; one submission).

Conditions:
Methylmalonic aciduria and homocystinuria type cblF. Also called: METHYLMALONIC ACIDEMIA AND HOMOCYSTINURIA, cblF TYPE; METHYLMALONIC ACIDURIA DUE TO VITAMIN B12-RELEASE DEFECT; VITAMIN B12 LYSOSOMAL RELEASE DEFECT; VITAMIN B12 STORAGE DISEASE; COBALAMIN F DISEASE; COBALAMIN, DEFECT IN LYSOSOMAL RELEASE OF. Identifiers: Orphanet 79284, MedGen C1848578, MONDO:0010183, OMIM 277380.

Submission:

3billion
Classification: Pathogenic for Methylmalonic aciduria and homocystinuria type cblF. Last evaluated: 2022-05-22. Review status: criteria provided, single submitter. Criteria: ACMG Guidelines, 2015. Collection method: clinical testing. Allele origin: germline. Affected: yes. Observed: 1 homozygote.
Comment: The variant is not observed in the gnomAD v2.1.1 dataset. Frameshift: predicted to result in a loss or disruption of normal protein function through nonsense-mediated decay (NMD) or protein truncation. A pathogenic variant is reported downstream of the variant. The patient's phentoype is considered compatible with LMBRD1 related disorder (3billion datset). Therefore, this variant is classified as likely pathogenic according to the recommendation of ACMG/AMP guideline.